The following is an entry in ClinVar:

ClinVar aggregate classification (germline): Uncertain significance (1 of 4 stars; one submission).

gnomAD v4.1: 4 of 1,612,496 alleles (0.00025%); highest among the groups gnomAD compares: African/African-American, 0.0013%; no homozygotes.

Submission:

Labcorp Genetics (formerly Invitae), Labcorp
Classification: Uncertain significance. Last evaluated: 2022-10-01. Review status: criteria provided, single submitter. Criteria: Invitae Variant Classification Sherloc (09022015). Collection method: clinical testing. Allele origin: germline.
Comment: This sequence change replaces arginine, which is basic and polar, with serine, which is neutral and polar, at codon 871 of the TONSL protein (p.Arg871Ser). This variant is not present in population databases (gnomAD no frequency). This variant has not been reported in the literature in individuals affected with TONSL-related conditions. Advanced modeling of protein sequence and biophysical properties (such as structural, functional, and spatial information, amino acid conservation, physicochemical variation, residue mobility, and thermodynamic stability) performed at Invitae indicates that this missense variant is not expected to disrupt TONSL protein function. In summary, the available evidence is currently insufficient to determine the role of this variant in disease. Therefore, it has been classified as a Variant of Uncertain Significance.

NM_013432.5(TONSL):c.2613G>T (p.Arg871Ser)

Genes: TONSL (tonsoku like, DNA repair protein; minus strand), TONSL-AS1 (TONSL antisense RNA 1; plus strand). Cytogenetic location: 8q24.3.
Variant type: single nucleotide variant.
Coding change: c.2613G>T on transcript NM_013432.5 (MANE Select); coding-DNA position 2613, G replaced by T.
Protein change: p.Arg871Ser; replaces arginine 871 with serine.
Molecular consequence: missense variant.
Genome position (GRCh38, 1-based): chr8:144,435,820, C>A on the plus strand (G>T on the coding strand, the complement: TONSL is on the minus strand). VCF-style: chr8-144435820-C-A. GRCh37 (hg19) VCF-style: chr8-145661203-C-A.
Other names: short protein forms R871S.
Identifiers: ClinVar variation 2121526 (VCV002121526.1), dbSNP rs1376730392, ClinGen allele CA372653915.
Genomic context (GRCh38, chr8:144,435,820, plus strand): 5'-AACTGGCGCACTGCAACTCTGCATGCAGGTCAGGCGGACCTGCTTGGCTCGGGCACGGGG[C>A]CTGCTCTCCTCACTGTCCGACCCAGAGGTACTACTGGGCCTGCGGTTGTCTCCAGTGCCC-3'
Protein context (NP_038460.4, residues 861-881): STSGSDSEES[Arg871Ser]PRARAKQVRL